The following is an entry in ClinVar:

ClinVar aggregate classification (germline): Pathogenic (1 of 4 stars; one submission).

Conditions:
Feingold syndrome type 1 (FGLDS1). Also called: MICROCEPHALY AND DIGITAL ABNORMALITIES WITH NORMAL INTELLIGENCE; MICROCEPHALY, MENTAL RETARDATION, AND TRACHEOESOPHAGEAL FISTULA SYNDROME; MICROCEPHALY-OCULO-DIGITO-ESOPHAGEAL-DUODENAL SYNDROME; OCULODIGITOESOPHAGODUODENAL SYNDROME; ODED SYNDROME. Identifiers: Orphanet 1305, Orphanet 391641, MedGen C4551774, MONDO:0008115, OMIM 164280.

Submission:

Medical Genetics Center, Maternal and Child Health Hospital of Hubei Province
Classification: Pathogenic for Feingold syndrome type 1. Last evaluated: 2022-09-22. Review status: criteria provided, single submitter. Criteria: ACMG Guidelines, 2015. Collection method: clinical testing. Allele origin: de novo. Affected: yes.
Comment: PS2+PVS1_Strong+PM2_Supporting

NM_005378.6(MYCN):c.985C>T (p.Gln329Ter)

Gene: MYCN (MYCN proto-oncogene, bHLH transcription factor; plus strand). Cytogenetic location: 2p24.3.
Variant type: single nucleotide variant.
Coding change: c.985C>T on transcript NM_005378.6 (MANE Select); coding-DNA position 985, C replaced by T.
Protein change: p.Gln329Ter; replaces glutamine 329 with a stop codon.
Molecular consequence: nonsense. On other transcripts: 3 prime UTR variant (1).
Genome position (GRCh38, 1-based): chr2:15,945,687, C>T. VCF-style: chr2-15945687-C-T. GRCh37 (hg19) VCF-style: chr2-16085809-C-T.
Other names: c.985C>T, p.Gln329Ter (NM_001293228.2); c.352C>T, p.Gln118Ter (NM_001293231.2); c.*920C>T (NM_001293233.2); short protein forms Q118*, Q329*.
Identifiers: ClinVar variation 4526864 (VCV004526864.1).